The following is an entry in ClinVar:

ClinVar aggregate classification (germline): Benign/Likely benign. Review status: criteria provided, multiple submitters, no conflicts (2 of 4 stars). 4 submissions from 4 submitters: Benign (1); Likely benign (3). Last evaluated 2025-03-17.

Conditions:
Hereditary cancer-predisposing syndrome. Also called: Neoplastic Syndromes, Hereditary; Tumor predisposition; Hereditary Cancer Syndrome; Hereditary neoplastic syndrome. Identifiers: Orphanet 140162, MedGen C0027672, MeSH D009386, MONDO:0015356.
Pheochromocytoma/paraganglioma syndrome 1. Also called: PARAGANGLIOMAS, FAMILIAL NONCHROMAFFIN, 1; PGL 1; Paragangliomas familial 1; PARAGANGLIOMATA; Paragangliomas 1; Glomus tumors familial 1. Identifiers: Orphanet 29072, MedGen C3494181, MONDO:0008192, OMIM 168000.
Paragangliomas with sensorineural hearing loss. Identifiers: MedGen C1868633.
Pheochromocytoma. Also called: MAX-Related Hereditary Paraganglioma-Pheochromocytoma Syndrome. Identifiers: Orphanet 29072, MedGen C0031511, MONDO:0008233, OMIM 171300, HP:0002666.
Carney-Stratakis syndrome. Also called: PARAGANGLIOMA AND GASTROINTESTINAL STROMAL TUMOR. Identifiers: Orphanet 97286, MedGen C1847319, MONDO:0011740, OMIM 606864.
Cowden syndrome 3 (CWS3). Identifiers: Orphanet 201, MedGen CN166604, MONDO:0014045.
Hereditary pheochromocytoma and paraganglioma. Also called: Hereditary pheochromocytoma-paraganglioma; Hereditary paragangliomas and pheochromocytomas; Hereditary Paraganglioma-Pheochromocytoma Syndromes. Identifiers: Orphanet 29072, MedGen C4274332, MONDO:0017366.

Allele frequency attached by ClinVar (database versions not stated): gnomAD exomes below 0.00001; ExAC 0.00001.
gnomAD v4.1: 2 of 1,612,214 alleles (0.00012%); highest among the groups gnomAD compares: Non-Finnish European, 0.00017%; no homozygotes.

Submissions (4):

Myriad Genetics, Inc.
Classification: Benign for Pheochromocytoma/paraganglioma syndrome 1. Last evaluated: 2025-03-17. Review status: criteria provided, single submitter. Criteria: Myriad Autosomal Dominant, Autosomal Recessive and X-Linked Classification Criteria (2023). Collection method: clinical testing. Allele origin: unknown.
Comment: This variant is considered benign. This variant is a silent/synonymous amino acid change and it is not expected to impact splicing.

Color Diagnostics, LLC DBA Color Health
Classification: Likely benign for Hereditary pheochromocytoma and paraganglioma. Last evaluated: 2022-11-06. Review status: criteria provided, single submitter. Criteria: ACMG Guidelines, 2015. Collection method: clinical testing. Allele origin: germline.

Labcorp Genetics (formerly Invitae), Labcorp
Classification: Likely benign for Carney-Stratakis syndrome; Paragangliomas with sensorineural hearing loss; Pheochromocytoma; Cowden syndrome 3. Last evaluated: 2021-10-13. Review status: criteria provided, single submitter. Criteria: Invitae Variant Classification Sherloc (09022015). Collection method: clinical testing. Allele origin: germline.

Ambry Genetics
Classification: Likely benign for Hereditary cancer-predisposing syndrome. Last evaluated: 2019-06-18. Review status: criteria provided, single submitter. Criteria: Ambry Variant Classification Scheme 2023. Collection method: clinical testing. Allele origin: germline.

NM_003002.4(SDHD):c.177C>T (p.Ser59=)

Gene: SDHD (succinate dehydrogenase complex subunit D; plus strand). Cytogenetic location: 11q23.1.
Variant type: single nucleotide variant.
Coding change: c.177C>T on transcript NM_003002.4 (MANE Select); coding-DNA position 177, C replaced by T.
Protein change: p.Ser59=; no amino-acid change (serine 59 retained).
Molecular consequence: synonymous variant. On other transcripts: non-coding transcript variant (1), intron variant (1).
Genome position (GRCh38, 1-based): chr11:112,088,874, C>T. VCF-style: chr11-112088874-C-T. GRCh37 (hg19) VCF-style: chr11-111959598-C-T.
Other names: c.60C>T, p.Ser20= (NM_001276504.2); c.177C>T, p.Ser59= (NM_001276506.2); c.169+901C>T (NM_001276503.2).
Identifiers: ClinVar variation 1666712 (VCV001666712.12), dbSNP rs764869982, ClinGen allele CA070795.
Genomic context (GRCh38, chr11:112,088,874, plus strand): 5'-TGAAAGATGTGTGTTTCTCACATCAACTTTTATGAATCTGGTCCTTTTTGTAGCTGGCTC[C>T]AAGGCTGCATCTCTCCACTGGACTAGCGAGAGGGTTGTCAGTGTTTTGCTCCTGGGTCTG-3'
Protein context (NP_002993.1, residues 49-69): IHLSPSHHSG[Ser59=]KAASLHWTSE